The following is an entry in ClinVar:

NM_182643.3(DLC1):c.3916A>G (p.Thr1306Ala)

Genes: DLC1 (DLC1 Rho GTPase activating protein; minus strand), LOC126860305 (MED14-independent group 3 enhancer GRCh37_chr8:12947375-12948574; plus strand). Cytogenetic location: 8p22.
Variant type: single nucleotide variant.
Coding change: c.3916A>G on transcript NM_182643.3 (MANE Select); coding-DNA position 3916, A replaced by G.
Protein change: p.Thr1306Ala; replaces threonine 1306 with alanine.
Molecular consequence: missense variant. On other transcripts: intron variant (2).
Genome position (GRCh38, 1-based): chr8:13,090,410, T>C on the plus strand (A>G on the coding strand, the complement: DLC1 is on the minus strand). VCF-style: chr8-13090410-T-C. GRCh37 (hg19) VCF-style: chr8-12947919-T-C.
Other names: c.2383A>G, p.Thr795Ala (NM_001164271.2, NM_001348082.2, NM_001348083.1 and 6 more transcripts); c.2707A>G, p.Thr903Ala (NM_001316668.2); c.3916A>G, p.Thr1306Ala (NM_001348081.2, NM_001413124.1); c.2605A>G, p.Thr869Ala (NM_001413139.1, NM_006094.5, NM_001413135.1); c.2740A>G, p.Thr914Ala (NM_001413140.1); c.2646+908A>G (NM_001413129.1); c.2544+908A>G (NM_001413136.1); c.2698A>G, p.Thr900Ala (NM_001413130.1); and 2 more; short protein forms T869A, T795A, T903A, T948A, T1306A, T786A, T900A, T914A.
Identifiers: ClinVar variation 2911688 (VCV002911688.3), dbSNP rs760325464, ClinGen allele CA4638103.

ClinVar aggregate classification (germline): Uncertain significance (1 of 4 stars; one submission).

Allele frequency attached by ClinVar (database versions not stated): TOPMed below 0.00001.
gnomAD v4.1: 11 of 1,613,944 alleles (0.00068%); highest among the groups gnomAD compares: Middle Eastern, 0.066%; no homozygotes.

Submission:

Labcorp Genetics (formerly Invitae), Labcorp
Classification: Uncertain significance. Last evaluated: 2025-02-17. Review status: criteria provided, single submitter. Criteria: Invitae Variant Classification Sherloc (09022015). Collection method: clinical testing. Allele origin: germline.
Comment: This sequence change replaces threonine, which is neutral and polar, with alanine, which is neutral and non-polar, at codon 1306 of the DLC1 protein (p.Thr1306Ala). This variant is present in population databases (rs760325464, gnomAD 0.0009%). This variant has not been reported in the literature in individuals affected with DLC1-related conditions. ClinVar contains an entry for this variant (Variation ID: 2911688). An algorithm developed to predict the effect of missense changes on protein structure and function (PolyPhen-2) suggests that this variant is likely to be tolerated. In summary, the available evidence is currently insufficient to determine the role of this variant in disease. Therefore, it has been classified as a Variant of Uncertain Significance.